The following is an entry in ClinVar:

NM_001372.4(DNAH9):c.4549C>T (p.Arg1517Ter)

Gene: DNAH9 (dynein axonemal heavy chain 9; plus strand). Cytogenetic location: 17p12.
Variant type: single nucleotide variant.
Coding change: c.4549C>T on transcript NM_001372.4 (MANE Select); coding-DNA position 4549, C replaced by T.
Protein change: p.Arg1517Ter; replaces arginine 1517 with a stop codon.
Molecular consequence: nonsense.
Genome position (GRCh38, 1-based): chr17:11,690,371, C>T. VCF-style: chr17-11690371-C-T. GRCh37 (hg19) VCF-style: chr17-11593688-C-T.
Other names: c.4549C>T (NM_001372.3); short protein forms R1517*.
Identifiers: ClinVar variation 2908398 (VCV002908398.6), dbSNP rs144649934, ClinGen allele CA8395691.

ClinVar aggregate classification (germline): Pathogenic/Likely pathogenic. Review status: criteria provided, multiple submitters, no conflicts (2 of 4 stars). 4 submissions from 4 submitters: Pathogenic (2); Likely pathogenic (2). Last evaluated 2026-01-11.

Conditions:
Ciliary dyskinesia, primary, 40. Also called: CILIARY DYSKINESIA, PRIMARY, 40, WITH OR WITHOUT SITUS INVERSUS. Identifiers: MedGen C4749028, MONDO:0032664, OMIM 618300.
DNAH9-related disorder. Also called: DNAH9-related condition.

Allele frequency attached by ClinVar (database versions not stated): ESP Exome Variant Server 0.00008.
gnomAD v4.1: 28 of 1,613,962 alleles (0.0017%); highest among the groups gnomAD compares: Middle Eastern, 0.016%; no homozygotes.

Submissions (4):

Labcorp Genetics (formerly Invitae), Labcorp
Classification: Pathogenic. Last evaluated: 2026-01-11. Review status: criteria provided, single submitter. Criteria: Invitae Variant Classification Sherloc (09022015). Collection method: clinical testing. Allele origin: germline.
Comment: This sequence change creates a premature translational stop signal (p.Arg1517*) in the DNAH9 gene. It is expected to result in an absent or disrupted protein product. Loss-of-function variants in DNAH9 are known to be pathogenic (PMID: 30471718). This variant is present in population databases (rs144649934, gnomAD 0.02%). This variant has not been reported in the literature in individuals affected with DNAH9-related conditions. ClinVar contains an entry for this variant (Variation ID: 2908398). For these reasons, this variant has been classified as Pathogenic.

PreventionGenetics, part of Exact Sciences
Classification: Pathogenic for DNAH9-related condition. Last evaluated: 2025-11-21. Review status: criteria provided, single submitter. Criteria: ACMG Guidelines, 2015. Collection method: clinical testing. Allele origin: germline.
Comment: The DNAH9 c.4549C>T variant is predicted to result in premature protein termination (p.Arg1517*). This variant has been reported in a compound heterozygous state in an individual with primary ciliary dyskinesia (Supplementary Table 2, Cloney et al. 2022. PubMed ID: 34740920). This variant is reported in 0.016% of alleles in individuals of East Asian descent in gnomAD. Nonsense variants in DNAH9 are expected to be pathogenic. This variant is interpreted as pathogenic.

Variantyx, Inc.
Classification: Likely pathogenic for Ciliary dyskinesia, primary, 40. Last evaluated: 2025-05-01. Review status: criteria provided, single submitter. Criteria: Variantyx Assertion Criteria 2022. Collection method: clinical testing. Allele origin: germline. Inheritance: Autosomal recessive inheritance.
Comment: This is a nonsense variant in the DNAH9 gene (OMIM: 603330). Pathogenic variants in this gene have been associated with autosomal recessive primary ciliary dyskinesia 40. This variant introduces a premature termination codon in exon 20 out of 69 and is expected to result in loss of function, which is a known disease mechanism for DNAH9 in this disorder (PMID:30471718) (PVS1). This variant has a 0.0053% maximum allele frequency in non-founder control populations (PM2). Based on the current evidence, this variant is classified as likely pathogenic for autosomal recessive primary ciliary dyskinesia 40.

Blueprint Genetics
Classification: Likely pathogenic for DNAH9-related disorders. Last evaluated: 2024-09-20. Review status: criteria provided, single submitter. Criteria: ACMG Guidelines, 2015. Collection method: clinical testing. Allele origin: germline. Affected: yes. Observed: 5 variant alleles.

Literature cited by the submitters: PubMed 30471718 (cited by Labcorp Genetics (formerly Invitae), Labcorp and Variantyx, Inc.).